The following is an entry in ClinVar:

ClinVar aggregate classification (germline): Conflicting classifications of pathogenicity. Review status: criteria provided, conflicting classifications (1 of 4 stars). 5 submissions from 5 submitters: Uncertain significance (4); Likely benign (1). Last evaluated 2026-01-14.

Conditions:
Osteogenesis imperfecta type I (OI1). Also called: Lobstein's Disease; Lobstein disease; OI, TYPE I; OSTEOGENESIS IMPERFECTA TARDA; OSTEOGENESIS IMPERFECTA WITH BLUE SCLERAE; Classic Non-deforming Osteogenesis Imperfecta with Blue Sclerae. Identifiers: Orphanet 216796, Orphanet 666, MedGen C0023931, MONDO:0008146, OMIM 166200. Disease mechanism: loss of function.
Ehlers-Danlos syndrome, arthrochalasia type. Also called: ARTHROCHALASIS MULTIPLEX CONGENITA; EDS VII, MUTANT PROCOLLAGEN TYPE; EDS VIIA; Ehlers-Danlos syndrome, arthrochalasia type, 1; Ehlers-Danlos syndrome, arthrochalasis type. Identifiers: Orphanet 1899, Orphanet 99875, Orphanet 99876, MedGen C4551623, MONDO:0007525, OMIM 130060.
Cardiovascular phenotype. Identifiers: MedGen CN230736.

Allele frequency attached by ClinVar (database versions not stated): gnomAD exomes below 0.00001; gnomAD 0.00001.
gnomAD v4.1: 5 of 1,613,910 alleles (0.00031%); highest among the groups gnomAD compares: African/African-American, 0.0013%; no homozygotes.

Submissions (5):

Labcorp Genetics (formerly Invitae), Labcorp
Classification: Uncertain significance for Osteogenesis imperfecta type I. Last evaluated: 2026-01-14. Review status: criteria provided, single submitter. Criteria: Invitae Variant Classification Sherloc (09022015). Collection method: clinical testing. Allele origin: germline.
Comment: This sequence change falls in intron 11 of the COL1A1 gene. It does not directly change the encoded amino acid sequence of the COL1A1 protein. It affects a nucleotide within the consensus splice site. This variant is not present in population databases (gnomAD no frequency). This variant has not been reported in the literature in individuals affected with COL1A1-related conditions. ClinVar contains an entry for this variant (Variation ID: 2440273). Variants that disrupt the consensus splice site are a relatively common cause of aberrant splicing (PMID: 17576681, 9536098). Algorithms developed to predict the effect of sequence changes on RNA splicing suggest that this variant is not likely to affect RNA splicing. In summary, the available evidence is currently insufficient to determine the role of this variant in disease. Therefore, it has been classified as a Variant of Uncertain Significance.

3billion
Classification: Uncertain significance for Ehlers-Danlos syndrome, arthrochalasia type. Last evaluated: 2025-12-03. Review status: criteria provided, single submitter. Criteria: ACMG Guidelines, 2015. Collection method: clinical testing. Allele origin: germline. Affected: yes.
Comment: The variant is observed at an extremely low frequency in the gnomAD v4.1.0 dataset (total allele frequency: <0.001%). Predicted Consequence/Location: Intron variant In silico tools predict the variant to alter splicing and produce an abnormal transcript [SpliceAI: 0.18 (spliceogenicity >=0.2, non-spliceogenicity <0.1)]. The variant has been reported as of uncertain significance (ClinVar ID: VCV002440273). Therefore, this variant is classified as VUS according to the recommendation of ACMG/AMP guideline.

Ambry Genetics
Classification: Uncertain significance for Cardiovascular phenotype. Last evaluated: 2025-01-23. Review status: criteria provided, single submitter. Criteria: Ambry Variant Classification Scheme 2023. Collection method: clinical testing. Allele origin: germline.
Comment: The c.804+3G>A intronic variant results from a G to A substitution 3 nucleotides after coding exon 11 in the COL1A1 gene. This nucleotide position is not well conserved in available vertebrate species. In silico splice site analysis predicts that this alteration will not have any significant effect on splicing. Based on the available evidence, the clinical significance of this variant remains unclear.

Revvity Omics, Revvity
Classification: Uncertain significance. Last evaluated: 2022-01-05. Review status: criteria provided, single submitter. Criteria: ACMG Guidelines, 2015. Collection method: clinical testing. Allele origin: germline.

Blueprint Genetics
Classification: Likely benign. Last evaluated: 2020-05-22. Review status: criteria provided, single submitter. Criteria: ACMG Guidelines, 2015. Collection method: clinical testing. Allele origin: germline.

Literature cited by the submitters: PubMed 17576681 (cited by Labcorp Genetics (formerly Invitae), Labcorp); PubMed 9536098 (cited by Labcorp Genetics (formerly Invitae), Labcorp).

NM_000088.4(COL1A1):c.804+3G>A

Genes: COL1A1 (collagen type I alpha 1 chain; minus strand), LOC126862586 (CDK7 strongly-dependent group 2 enhancer GRCh37_chr17:48273702-48274901; plus strand). Cytogenetic location: 17q21.33.
Variant type: single nucleotide variant.
Coding change: c.804+3G>A on transcript NM_000088.4 (MANE Select); 3 bases into the intron after coding-DNA position 804, G replaced by A.
Molecular consequence: intron variant.
Genome position (GRCh38, 1-based): chr17:50,197,007, C>T on the plus strand (G>A on the coding strand, the complement: COL1A1 is on the minus strand). VCF-style: chr17-50197007-C-T. GRCh37 (hg19) VCF-style: chr17-48274368-C-T.
Identifiers: ClinVar variation 2440273 (VCV002440273.9), dbSNP rs371309429, ClinGen allele CA291547555.